The following is an entry in ClinVar:

ClinVar aggregate classification (germline): Uncertain significance (1 of 4 stars; one submission).

Allele frequency attached by ClinVar (database versions not stated): gnomAD 0.00001; TOPMed 0.00002.
gnomAD v4.1: 1 of 1,612,412 alleles (0.000062%); highest among the groups gnomAD compares: Admixed American, 0.0017%; no homozygotes.

Submission:

Labcorp Genetics (formerly Invitae), Labcorp
Classification: Uncertain significance. Last evaluated: 2022-03-04. Review status: criteria provided, single submitter. Criteria: Invitae Variant Classification Sherloc (09022015). Collection method: clinical testing. Allele origin: germline.
Comment: In summary, the available evidence is currently insufficient to determine the role of this variant in disease. Therefore, it has been classified as a Variant of Uncertain Significance. Algorithms developed to predict the effect of missense changes on protein structure and function (SIFT, PolyPhen-2, Align-GVGD) all suggest that this variant is likely to be tolerated. This variant has not been reported in the literature in individuals affected with HERC1-related conditions. This variant is not present in population databases (gnomAD no frequency). This sequence change replaces glutamic acid, which is acidic and polar, with aspartic acid, which is acidic and polar, at codon 2847 of the HERC1 protein (p.Glu2847Asp).

NM_003922.4(HERC1):c.8541A>C (p.Glu2847Asp)

Gene: HERC1 (HECT and RLD domain containing E3 ubiquitin protein ligase family member 1; minus strand). Cytogenetic location: 15q22.31.
Variant type: single nucleotide variant.
Coding change: c.8541A>C on transcript NM_003922.4 (MANE Select); coding-DNA position 8541, A replaced by C.
Protein change: p.Glu2847Asp; replaces glutamic acid 2847 with aspartic acid.
Molecular consequence: missense variant.
Genome position (GRCh38, 1-based): chr15:63,665,933, T>G on the plus strand (A>C on the coding strand, the complement: HERC1 is on the minus strand). VCF-style: chr15-63665933-T-G. GRCh37 (hg19) VCF-style: chr15-63958132-T-G.
Other names: short protein forms E2847D.
Identifiers: ClinVar variation 1966063 (VCV001966063.5), dbSNP rs2070609990, ClinGen allele CA392762931.